The following is an entry in ClinVar:

ClinVar aggregate classification (germline): Pathogenic. Review status: criteria provided, multiple submitters, no conflicts (2 of 4 stars). 2 submissions from 2 submitters: Pathogenic (2). Last evaluated 2024-11-07.

Conditions:
Arginase deficiency. Also called: ARGININEMIA; ARG1 DEFICIENCY; Arginase 1 Deficiency. Identifiers: Orphanet 90, MedGen C0268548, MONDO:0008814, OMIM 207800.

Submissions (2):

Labcorp Genetics (formerly Invitae), Labcorp
Classification: Pathogenic for Arginase deficiency. Last evaluated: 2024-11-07. Review status: criteria provided, single submitter. Criteria: Invitae Variant Classification Sherloc (09022015). Collection method: clinical testing. Allele origin: germline.
Comment: This sequence change affects a donor splice site in intron 5 of the ARG1 gene. It is expected to disrupt RNA splicing. Variants that disrupt the donor or acceptor splice site typically lead to a loss of protein function (PMID: 16199547), and loss-of-function variants in ARG1 are known to be pathogenic (PMID: 7649538, 12052859). This variant is not present in population databases (gnomAD no frequency). Disruption of this splice site has been observed in individual(s) with arginase deficiency (PMID: 31598944). ClinVar contains an entry for this variant (Variation ID: 1501863). Algorithms developed to predict the effect of sequence changes on RNA splicing suggest that this variant may disrupt the consensus splice site. For these reasons, this variant has been classified as Pathogenic.

Baylor Genetics
Classification: Pathogenic for Arginase deficiency. Last evaluated: 2024-03-09. Review status: criteria provided, single submitter. Criteria: ACMG Guidelines, 2015. Collection method: clinical testing. Allele origin: unknown.

Literature cited by the submitters: PubMed 16199547 (cited by Labcorp Genetics (formerly Invitae), Labcorp); PubMed 7649538 (cited by Labcorp Genetics (formerly Invitae), Labcorp); PubMed 12052859 (cited by Labcorp Genetics (formerly Invitae), Labcorp); PubMed 31598944 (cited by Labcorp Genetics (formerly Invitae), Labcorp).

NM_000045.4(ARG1):c.560+2T>C

Genes: ARG1 (arginase 1; plus strand), MED23 (mediator complex subunit 23; minus strand). Cytogenetic location: 6q23.2.
Variant type: single nucleotide variant.
Coding change: c.560+2T>C on transcript NM_000045.4 (MANE Select); the canonical splice donor site of the intron after coding-DNA position 560, T replaced by C.
Molecular consequence: splice donor variant. On other transcripts: intron variant (3).
Genome position (GRCh38, 1-based): chr6:131,582,717, T>C. VCF-style: chr6-131582717-T-C. GRCh37 (hg19) VCF-style: chr6-131903857-T-C.
Other names: c.584+2T>C (NM_001244438.2); c.306-343T>C (NM_001369020.1); c.4077+4992A>G (NM_001270521.2); c.4095+4992A>G (NM_015979.4).
Identifiers: ClinVar variation 1501863 (VCV001501863.9), dbSNP rs2114546081, ClinGen allele CA365651544.